The following is an entry in ClinVar:

NM_014444.5(TUBGCP4):c.556C>T (p.Gln186Ter)

Gene: TUBGCP4 (tubulin gamma complex component 4; plus strand). Cytogenetic location: 15q15.3.
Variant type: single nucleotide variant.
Coding change: c.556C>T on transcript NM_014444.5 (MANE Select); coding-DNA position 556, C replaced by T.
Protein change: p.Gln186Ter; replaces glutamine 186 with a stop codon.
Molecular consequence: nonsense.
Genome position (GRCh38, 1-based): chr15:43,383,337, C>T. VCF-style: chr15-43383337-C-T. GRCh37 (hg19) VCF-style: chr15-43675535-C-T.
Other names: c.556C>T, p.Gln186Ter (NM_001286414.3); short protein forms Q186*.
Identifiers: ClinVar variation 961136 (VCV000961136.7), dbSNP rs1281303824, ClinGen allele CA392119723.

ClinVar aggregate classification (germline): Pathogenic (1 of 4 stars; one submission).

Allele frequency attached by ClinVar (database versions not stated): gnomAD exomes below 0.00001.
gnomAD v4.1: 1 of 1,614,094 alleles (0.000062%); highest among the groups gnomAD compares: Non-Finnish European, 0.000085%; no homozygotes.

Submission:

Labcorp Genetics (formerly Invitae), Labcorp
Classification: Pathogenic. Last evaluated: 2019-10-14. Review status: criteria provided, single submitter. Criteria: Invitae Variant Classification Sherloc (09022015). Collection method: clinical testing. Allele origin: germline.
Comment: For these reasons, this variant has been classified as Pathogenic. Loss-of-function variants in TUBGCP4 are known to be pathogenic (PMID: 25817018). This variant has not been reported in the literature in individuals with TUBGCP4-related conditions. This variant is not present in population databases (ExAC no frequency). This sequence change creates a premature translational stop signal (p.Gln186*) in the TUBGCP4 gene. It is expected to result in an absent or disrupted protein product.

Literature cited by the submitters: PubMed 25817018.